The following is an entry in ClinVar:

NM_003803.4(MYOM1):c.299A>G (p.Asp100Gly)

Gene: MYOM1 (myomesin 1; minus strand). Cytogenetic location: 18p11.31.
Variant type: single nucleotide variant.
Coding change: c.299A>G on transcript NM_003803.4 (MANE Select); coding-DNA position 299, A replaced by G.
Protein change: p.Asp100Gly; replaces aspartic acid 100 with glycine.
Molecular consequence: missense variant.
Genome position (GRCh38, 1-based): chr18:3,193,950, T>C on the plus strand (A>G on the coding strand, the complement: MYOM1 is on the minus strand). VCF-style: chr18-3193950-T-C. GRCh37 (hg19) VCF-style: chr18-3193948-T-C.
Other names: c.299A>G, p.Asp100Gly (NM_019856.2); short protein forms D100G.
Identifiers: ClinVar variation 964190 (VCV000964190.11), dbSNP rs770734389, ClinGen allele CA8875276.

ClinVar aggregate classification (germline): Uncertain significance. Review status: criteria provided, multiple submitters, no conflicts (2 of 4 stars). 2 submissions from 2 submitters: Uncertain significance (2). Last evaluated 2025-10-29.

Conditions:
Hypertrophic cardiomyopathy. Also called: HYPERTROPHIC MYOCARDIOPATHY. Identifiers: Orphanet 217569, MedGen C0007194, MeSH D002312, MONDO:0005045, HP:0001639.

Allele frequency attached by ClinVar (database versions not stated): TOPMed below 0.00001; ExAC 0.00001; gnomAD 0.00001; gnomAD exomes 0.00001.
gnomAD v4.1: 2 of 1,613,388 alleles (0.00012%); highest among the groups gnomAD compares: Non-Finnish European, 0.00017%; no homozygotes.

Submissions (2):

Ambry Genetics
Classification: Uncertain significance. Last evaluated: 2025-10-29. Review status: criteria provided, single submitter. Criteria: Ambry Variant Classification Scheme 2023. Collection method: clinical testing. Allele origin: germline.
Comment: The p.D100G variant (also known as c.299A>G), located in coding exon 2 of the MYOM1 gene, results from an A to G substitution at nucleotide position 299. The aspartic acid at codon 100 is replaced by glycine, an amino acid with similar properties. This amino acid position is conserved. In addition, this alteration is predicted to be tolerated by in silico analysis. Since supporting evidence is limited at this time, the clinical significance of this alteration remains unclear.

Labcorp Genetics (formerly Invitae), Labcorp
Classification: Uncertain significance for Hypertrophic cardiomyopathy. Last evaluated: 2024-12-05. Review status: criteria provided, single submitter. Criteria: Invitae Variant Classification Sherloc (09022015). Collection method: clinical testing. Allele origin: germline.
Comment: This sequence change replaces aspartic acid, which is acidic and polar, with glycine, which is neutral and non-polar, at codon 100 of the MYOM1 protein (p.Asp100Gly). This variant is present in population databases (rs770734389, gnomAD 0.002%). This variant has not been reported in the literature in individuals affected with MYOM1-related conditions. ClinVar contains an entry for this variant (Variation ID: 964190). An algorithm developed to predict the effect of missense changes on protein structure and function (PolyPhen-2) suggests that this variant is likely to be tolerated. In summary, the available evidence is currently insufficient to determine the role of this variant in disease. Therefore, it has been classified as a Variant of Uncertain Significance.